The following is an entry in ClinVar:

ClinVar aggregate classification (germline): Uncertain significance (1 of 4 stars; one submission).

Conditions:
Autosomal recessive limb-girdle muscular dystrophy type 2O. Also called: Limb-Girdle Muscular Dystrophy Type 3C; MUSCULAR DYSTROPHY-DYSTROGLYCANOPATHY (LIMB-GIRDLE), TYPE C, 3; MUSCULAR DYSTROPHY-DYSTROGLYCANOPATHY, LIMB-GIRDLE, POMGNT1-RELATED. Identifiers: Orphanet 206564, MedGen C3150417, MONDO:0013161, OMIM 613157.
Muscular dystrophy-dystroglycanopathy (congenital with impaired intellectual development), type B, 3. Also called: Muscular dystrophy-dystroglycanopathy (congenital with intellectual disability), type B3; MUSCULAR DYSTROPHY, CONGENITAL, POMGNT1-RELATED. Identifiers: MedGen C3150412, MONDO:0013155, OMIM 613151.

Submission:

Labcorp Genetics (formerly Invitae), Labcorp
Classification: Uncertain significance for Autosomal recessive limb-girdle muscular dystrophy type 2O; Muscular dystrophy-dystroglycanopathy (congenital with impaired intellectual development), type B, 3. Last evaluated: 2023-11-01. Review status: criteria provided, single submitter. Criteria: Invitae Variant Classification Sherloc (09022015). Collection method: clinical testing. Allele origin: germline.
Comment: This sequence change falls in intron 15 of the POMGNT1 gene. It does not directly change the encoded amino acid sequence of the POMGNT1 protein. It affects a nucleotide within the consensus splice site. This variant is not present in population databases (gnomAD no frequency). This variant has not been reported in the literature in individuals affected with POMGNT1-related conditions. ClinVar contains an entry for this variant (Variation ID: 2080251). Variants that disrupt the consensus splice site are a relatively common cause of aberrant splicing (PMID: 17576681, 9536098). Algorithms developed to predict the effect of sequence changes on RNA splicing suggest that this variant is not likely to affect RNA splicing. In summary, the available evidence is currently insufficient to determine the role of this variant in disease. Therefore, it has been classified as a Variant of Uncertain Significance.

Literature cited by the submitters: PubMed 17576681; PubMed 9536098.

NM_017739.4(POMGNT1):c.1284+6C>T

Genes: POMGNT1 (protein O-linked mannose N-acetylglucosaminyltransferase 1 (beta 1,2-); minus strand), TSPAN1 (tetraspanin 1; plus strand). Cytogenetic location: 1p34.1.
Variant type: single nucleotide variant.
Coding change: c.1284+6C>T on transcript NM_017739.4 (MANE Select); 6 bases into the intron after coding-DNA position 1284, C replaced by T.
Molecular consequence: intron variant.
Genome position (GRCh38, 1-based): chr1:46,192,512, G>A on the plus strand (C>T on the coding strand, the complement: POMGNT1 is on the minus strand). VCF-style: chr1-46192512-G-A. GRCh37 (hg19) VCF-style: chr1-46658184-G-A.
Other names: c.1284+6C>T (NM_001243766.2, NM_001438686.1, NM_001438688.1 and 3 more transcripts); c.1218+6C>T (NM_001290129.3, NM_001438691.1, NM_001438692.1); c.855+6C>T (NM_001290130.2).
Identifiers: ClinVar variation 2080251 (VCV002080251.4), dbSNP rs1189163623, ClinGen allele CA522811720.
Genomic context (GRCh38, chr1:46,192,512, plus strand): 5'-CATAGTGGGAGGTATTAGCTGAGGCCTCATAAACTCGCCTGCTAAACCCTGGTCATTCCA[G>A]CCTACCTGGTCATTCCAGGCAGAGATGCAGTACAGGCTGTCATCCTCCTCCAGTAGGTGG-3'